The following is an entry in ClinVar:

NM_000161.3(GCH1):c.11G>A (p.Gly4Asp)

Genes: GCH1 (GTP cyclohydrolase 1; minus strand), LOC130055692 (ATAC-STARR-seq lymphoblastoid silent region 5776; plus strand). Cytogenetic location: 14q22.2.
Variant type: single nucleotide variant.
Coding change: c.11G>A on transcript NM_000161.3 (MANE Select); coding-DNA position 11, G replaced by A.
Protein change: p.Gly4Asp; replaces glycine 4 with aspartic acid.
Molecular consequence: missense variant.
Genome position (GRCh38, 1-based): chr14:54,902,653, C>T on the plus strand (G>A on the coding strand, the complement: GCH1 is on the minus strand). VCF-style: chr14-54902653-C-T. GRCh37 (hg19) VCF-style: chr14-55369371-C-T.
Other names: c.11G>A, p.Gly4Asp (NM_001024024.2, NM_001024070.2, NM_001024071.2); short protein forms G4D.
Identifiers: ClinVar variation 1331138 (VCV001331138.5), dbSNP rs2140127797, ClinGen allele CA389794965.

ClinVar aggregate classification (germline): Uncertain significance. Review status: criteria provided, multiple submitters, no conflicts (2 of 4 stars). 2 submissions from 2 submitters: Uncertain significance (2). Last evaluated 2023-01-09.

Conditions:
Dystonia 5 (DRD). Also called: DYT-GCH1; DYSTONIA, PROGRESSIVE, WITH DIURNAL VARIATION; DYSTONIA-PARKINSONISM WITH DIURNAL FLUCTUATION; GTP Cyclohydrolase 1-Deficient Dopa-Responsive Dystonia; Dystonia, DOPA-responsive, with or without hyperphenylalaninemia. Identifiers: Orphanet 98808, MedGen C1851920, MONDO:0007495, OMIM 128230.
GTP cyclohydrolase I deficiency. Identifiers: MedGen C0268467, MONDO:0100184.

Submissions (2):

Labcorp Genetics (formerly Invitae), Labcorp
Classification: Uncertain significance for GTP cyclohydrolase I deficiency; Dystonia 5. Last evaluated: 2023-01-09. Review status: criteria provided, single submitter. Criteria: Invitae Variant Classification Sherloc (09022015). Collection method: clinical testing. Allele origin: germline.
Comment: In summary, the available evidence is currently insufficient to determine the role of this variant in disease. Therefore, it has been classified as a Variant of Uncertain Significance. Advanced modeling of protein sequence and biophysical properties (such as structural, functional, and spatial information, amino acid conservation, physicochemical variation, residue mobility, and thermodynamic stability) performed at Invitae indicates that this missense variant is not expected to disrupt GCH1 protein function. ClinVar contains an entry for this variant (Variation ID: 1331138). This variant has not been reported in the literature in individuals affected with GCH1-related conditions. This variant is not present in population databases (gnomAD no frequency). This sequence change replaces glycine, which is neutral and non-polar, with aspartic acid, which is acidic and polar, at codon 4 of the GCH1 protein (p.Gly4Asp).

GeneDx
Classification: Uncertain significance. Last evaluated: 2021-06-29. Review status: criteria provided, single submitter. Criteria: GeneDx Variant Classification Process June 2021. Collection method: clinical testing. Allele origin: germline. Affected: yes.
Comment: Not observed at significant frequency in large population cohorts (Lek et al., 2016); In silico analysis supports that this missense variant does not alter protein structure/function; Has not been previously published as pathogenic or benign to our knowledge; This variant is associated with the following publications: (PMID: 27535533)